The following is an entry in ClinVar:

ClinVar aggregate classification (germline): Benign (0 of 4 stars; one submission).

Conditions:
ABCG1-related disorder. Also called: ABCG1-related condition.

Submission:

PreventionGenetics, part of Exact Sciences
Classification: Benign for ABCG1-related condition. Last evaluated: 2019-09-05. Review status: no assertion criteria provided. Collection method: clinical testing. Allele origin: germline.
Comment: This variant is classified as benign based on ACMG/AMP sequence variant interpretation guidelines (Richards et al. 2015 PMID: 25741868, with internal and published modifications).

NM_016818.3(ABCG1):c.-38GCC[6]

Gene: ABCG1 (ATP binding cassette subfamily G member 1; plus strand). Cytogenetic location: 21q22.3.
Variant type: Microsatellite.
Coding change: c.-38GCC[6] on transcript NM_016818.3 (MANE Select); six copies in a row of the 3-base unit GCC starting at c.-38; the reference has ten copies in a row; four copies, 12 bases deleted.
Molecular consequence: 5 prime UTR variant. On other transcripts: intron variant (3).
Genome position (GRCh38, 1-based): chr21:42,219,243-42,219,254, GCCGCCGCCGCC deleted; deleting any 12 consecutive bases within chr21:42,219,223-42,219,254 gives the same sequence; the position shown is the placement nearest the transcript's 3' end. VCF-style (leftmost placement, unchanged base first): chr21-42219222-CCCGCCGCCGCCG-C. GRCh37 (hg19) VCF-style: chr21-43639332-CCCGCCGCCGCCG-C.
Other names: c.-38GCC[6] (NM_004915.4); c.49-6448CCG[6] (NM_207627.2); c.-24-6448CCG[6] (NM_207628.1); c.33+3035CCG[6] (NM_207629.2).
Identifiers: ClinVar variation 3053710 (VCV003053710.2), dbSNP rs2234716, ClinGen allele CA10040789.